The following is an entry in ClinVar:

ClinVar aggregate classification (germline): Uncertain significance (1 of 4 stars; one submission).

Submission:

GeneDx
Classification: Uncertain significance. Last evaluated: 2022-02-11. Review status: criteria provided, single submitter. Criteria: GeneDx Variant Classification Process June 2021. Collection method: clinical testing. Allele origin: germline. Affected: yes.
Comment: Not observed at significant frequency in large population cohorts (gnomAD); In silico analysis supports that this missense variant has a deleterious effect on protein structure/function; Has not been previously published as pathogenic or benign to our knowledge

NM_002335.4(LRP5):c.1736A>G (p.Asp579Gly)

Gene: LRP5 (LDL receptor related protein 5; plus strand). Cytogenetic location: 11q13.2.
Variant type: single nucleotide variant.
Coding change: c.1736A>G on transcript NM_002335.4 (MANE Select); coding-DNA position 1736, A replaced by G.
Protein change: p.Asp579Gly; replaces aspartic acid 579 with glycine.
Molecular consequence: missense variant. On other transcripts: 5 prime UTR variant (1).
Genome position (GRCh38, 1-based): chr11:68,403,634, A>G. VCF-style: chr11-68403634-A-G. GRCh37 (hg19) VCF-style: chr11-68171102-A-G.
Other names: c.-202A>G (NM_001291902.2); short protein forms D579G.
Identifiers: ClinVar variation 1700832 (VCV001700832.2), dbSNP rs2153163058, ClinGen allele CA381614520.